The following is an entry in ClinVar:

ClinVar aggregate classification (germline): Benign/Likely benign. Review status: criteria provided, multiple submitters, no conflicts (2 of 4 stars). 3 submissions from 3 submitters: Benign (1); Likely benign (1). 1 of the submissions does not count toward it. Last evaluated 2026-01-22.

Conditions:
POLE2-related disorder. Also called: POLE2-related condition.

Allele frequency attached by ClinVar (database versions not stated): gnomAD exomes 0.00044 and 0.00119; ExAC 0.00149; gnomAD 0.00421 and 0.00454; 1000 Genomes Project 0.00439; 1000 Genomes Project 30x 0.00453; ESP Exome Variant Server 0.00492; TOPMed 0.00498.
gnomAD v4.1: 1,215 of 1,427,112 alleles (0.085%); highest among the groups gnomAD compares: African/African-American, 1.5%; 9 homozygotes.

Submissions (3):

Labcorp Genetics (formerly Invitae), Labcorp
Classification: Benign. Last evaluated: 2026-01-22. Review status: criteria provided, single submitter. Criteria: Invitae Variant Classification Sherloc (09022015). Collection method: clinical testing. Allele origin: germline.

Blueprint Genetics
Classification: Likely benign. Last evaluated: 2024-07-09. Review status: criteria provided, single submitter. Criteria: ACMG Guidelines, 2015. Collection method: clinical testing. Allele origin: germline.

PreventionGenetics, part of Exact Sciences
Classification: Benign for POLE2-related condition. Last evaluated: 2019-07-01. Review status: no assertion criteria provided. Collection method: clinical testing. Allele origin: germline. Not counted in ClinVar's aggregate classification.
Comment: This variant is classified as benign based on ACMG/AMP sequence variant interpretation guidelines (Richards et al. 2015 PMID: 25741868, with internal and published modifications).

NM_002692.4(POLE2):c.1497+17T>C

Gene: POLE2 (DNA polymerase epsilon 2, accessory subunit; minus strand). Cytogenetic location: 14q21.3.
Variant type: single nucleotide variant.
Coding change: c.1497+17T>C on transcript NM_002692.4 (MANE Select); 17 bases into the intron after coding-DNA position 1497, T replaced by C.
Molecular consequence: intron variant. On other transcripts: 3 prime UTR variant (1).
Genome position (GRCh38, 1-based): chr14:49,650,248, A>G on the plus strand (T>C on the coding strand, the complement: POLE2 is on the minus strand). VCF-style: chr14-49650248-A-G. GRCh37 (hg19) VCF-style: chr14-50116966-A-G.
Other names: c.*5T>C (NM_001197331.3); c.1419+17T>C (NM_001197330.2); c.1494+17T>C (NM_001348384.2); c.1266+17T>C (NM_001348385.2); c.1497+17T>C (NM_002692.3).
Identifiers: ClinVar variation 1600251 (VCV001600251.11), dbSNP rs140187493, ClinGen allele CA7173259.